The following is an entry in ClinVar:

ClinVar aggregate classification (germline): Likely benign (0 of 4 stars; one submission).

Conditions:
EDN3-related disorder. Also called: EDN3-related condition.

Allele frequency attached by ClinVar (database versions not stated): ExAC 0.00001.

Submission:

PreventionGenetics, part of Exact Sciences
Classification: Likely benign for EDN3-related condition. Last evaluated: 2020-11-17. Review status: no assertion criteria provided. Collection method: clinical testing. Allele origin: germline.
Comment: This variant is classified as likely benign based on ACMG/AMP sequence variant interpretation guidelines (Richards et al. 2015 PMID: 25741868, with internal and published modifications).

NM_207034.3(EDN3):c.309G>A (p.Lys103=)

Gene: EDN3 (endothelin 3; plus strand). Cytogenetic location: 20q13.32.
Variant type: single nucleotide variant.
Coding change: c.309G>A on transcript NM_207034.3 (MANE Select); coding-DNA position 309, G replaced by A.
Protein change: p.Lys103=; no amino-acid change (lysine 103 retained).
Molecular consequence: synonymous variant.
Genome position (GRCh38, 1-based): chr20:59,301,666, G>A. VCF-style: chr20-59301666-G-A. GRCh37 (hg19) VCF-style: chr20-57876721-G-A.
Other names: c.309G>A, p.Lys103= (NM_001302455.2, NM_001302456.2, NM_001424361.1 and 4 more transcripts).
Identifiers: ClinVar variation 3029995 (VCV003029995.2), dbSNP rs780830178, ClinGen allele CA9930327.
Genomic context (GRCh38, chr20:59,301,666, plus strand): 5'-GGCGGCCGAGGGGGCCCCTGAGCACCACCGATCCAGGCGCTGCACGTGCTTCACCTACAA[G>A]GACAAGGAGTGTGTCTACTATTGCCACCTGGACATCATTTGGATCAACACTCCCGAGTAA-3'
Protein context (NP_996917.1, residues 93-113): RSRRCTCFTY[Lys103=]DKECVYYCHL